The following is an entry in ClinVar:

NM_015629.4(PRPF31):c.165G>A (p.Trp55Ter)

Gene: PRPF31 (pre-mRNA processing factor 31; plus strand). Cytogenetic location: 19q13.42.
Variant type: single nucleotide variant.
Coding change: c.165G>A on transcript NM_015629.4 (MANE Select); coding-DNA position 165, G replaced by A.
Protein change: p.Trp55Ter; replaces tryptophan 55 with a stop codon.
Molecular consequence: nonsense.
Genome position (GRCh38, 1-based): chr19:54,118,443, G>A. VCF-style: chr19-54118443-G-A. GRCh37 (hg19) VCF-style: chr19-54621823-G-A.
Other names: short protein forms W55*.
Identifiers: ClinVar variation 804153 (VCV000804153.7), dbSNP rs1439576531, ClinGen allele CA407790058.

ClinVar aggregate classification (germline): Pathogenic. Review status: criteria provided, multiple submitters, no conflicts (2 of 4 stars). 2 submissions from 2 submitters: Pathogenic (2). Last evaluated 2022-08-12.

Conditions:
Retinitis pigmentosa (RP). Identifiers: Orphanet 791, MedGen C0035334, MeSH D012174, MONDO:0019200, OMIM 268000. Inheritance: Autosomal dominant, autosomal recessive and X linked inheritance.

Submissions (2):

Labcorp Genetics (formerly Invitae), Labcorp
Classification: Pathogenic. Last evaluated: 2022-08-12. Review status: criteria provided, single submitter. Criteria: Invitae Variant Classification Sherloc (09022015). Collection method: clinical testing. Allele origin: germline.
Comment: ClinVar contains an entry for this variant (Variation ID: 804153). For these reasons, this variant has been classified as Pathogenic. Algorithms developed to predict the effect of sequence changes on RNA splicing suggest that this variant may create or strengthen a splice site. This premature translational stop signal has been observed in individual(s) with retinitis pigmentosa (PMID: 30921587). This variant is not present in population databases (gnomAD no frequency). This sequence change creates a premature translational stop signal (p.Trp55*) in the PRPF31 gene. It is expected to result in an absent or disrupted protein product. Loss-of-function variants in PRPF31 are known to be pathogenic (PMID: 18317597, 23950152).

Mendelics
Classification: Pathogenic for Retinitis pigmentosa. Last evaluated: 2019-05-28. Review status: criteria provided, single submitter. Criteria: Mendelics Assertion Criteria 2017. Collection method: clinical testing. Allele origin: unknown.

Literature cited by the submitters: PubMed 30921587 (cited by Labcorp Genetics (formerly Invitae), Labcorp); PubMed 18317597 (cited by Labcorp Genetics (formerly Invitae), Labcorp); PubMed 23950152 (cited by Labcorp Genetics (formerly Invitae), Labcorp).